The following is an entry in ClinVar:

ClinVar aggregate classification (germline): Conflicting classifications of pathogenicity. Review status: criteria provided, conflicting classifications (1 of 4 stars). 2 submissions from 2 submitters: Uncertain significance (1); Likely benign (1). Last evaluated 2025-04-24.

Conditions:
Inborn genetic diseases. Identifiers: MedGen C0950123, MeSH D030342.

Allele frequency attached by ClinVar (database versions not stated): gnomAD 0.00002; TOPMed 0.00004; ExAC 0.00007.
gnomAD v4.1: 34 of 1,614,044 alleles (0.0021%); highest among the groups gnomAD compares: Admixed American, 0.027%; no homozygotes.

Submissions (2):

Ambry Genetics
Classification: Likely benign for Inborn genetic diseases. Last evaluated: 2025-04-24. Review status: criteria provided, single submitter. Criteria: Ambry Variant Classification Scheme 2023. Collection method: clinical testing. Allele origin: germline.

Women's Health and Genetics/Laboratory Corporation of America, LabCorp
Classification: Uncertain significance. Last evaluated: 2023-12-01. Review status: criteria provided, single submitter. Criteria: LabCorp Variant Classification Summary - May 2015. Collection method: clinical testing. Allele origin: germline.
Comment: Variant summary: USP18 c.220G>A (p.Val74Ile) results in a conservative amino acid change located in the Peptidase C19, ubiquitin carboxyl-terminal hydrolase domain (IPR001394) of the encoded protein sequence. Five of five in-silico tools predict a benign effect of the variant on protein function. The variant allele was found at a frequency of 6e-05 in 251496 control chromosomes (gnomAD). To our knowledge, no occurrence of c.220G>A in individuals affected with Pseudo-TORCH Syndrome 2 and no experimental evidence demonstrating its impact on protein function have been reported. No submitters have cited clinical-significance assessments for this variant to ClinVar after 2014. Based on the evidence outlined above, the variant was classified as uncertain significance.

NM_017414.4(USP18):c.220G>A (p.Val74Ile)

Gene: USP18 (ubiquitin specific peptidase 18; plus strand). Cytogenetic location: 22q11.21.
Variant type: single nucleotide variant.
Coding change: c.220G>A on transcript NM_017414.4 (MANE Select); coding-DNA position 220, G replaced by A.
Protein change: p.Val74Ile; replaces valine 74 with isoleucine.
Molecular consequence: missense variant.
Genome position (GRCh38, 1-based): chr22:18,160,234, G>A. VCF-style: chr22-18160234-G-A. GRCh37 (hg19) VCF-style: chr22-18643001-G-A.
Other names: c.220G>A (NM_017414.3); short protein forms V74I.
Identifiers: ClinVar variation 2691586 (VCV002691586.2), dbSNP rs780516925, ClinGen allele CA10093988.
Genomic context (GRCh38, chr22:18,160,234, plus strand): 5'-CTGGTTGGTTTACACAACATTGGACAGACCTGCTGCCTTAACTCCTTGATTCAGGTGTTC[G>A]TAATGAATGTGGACTTCACCAGGATATTGAAGAGGTAAGACTGTTCTTCAGGCTGATGAG-3'
Protein context (NP_059110.2, residues 64-84): CCLNSLIQVF[Val74Ile]MNVDFTRILK